The following is an entry in ClinVar:

ClinVar aggregate classification (germline): Pathogenic/Likely pathogenic. Review status: criteria provided, multiple submitters, no conflicts (2 of 4 stars). 3 submissions from 3 submitters: Pathogenic (1); Likely pathogenic (1). 1 of the submissions does not count toward it. Last evaluated 2025-08-21.

Conditions:
Mitochondrial complex III deficiency nuclear type 2. Identifiers: MedGen C3554605, MONDO:0014063, OMIM 615157.

gnomAD v4.1: 1 of 1,614,252 alleles (0.000062%); highest among the groups gnomAD compares: South Asian, 0.0011%; no homozygotes.

Submissions (3):

Labcorp Genetics (formerly Invitae), Labcorp
Classification: Likely pathogenic. Last evaluated: 2025-08-21. Review status: criteria provided, single submitter. Criteria: Invitae Variant Classification Sherloc (09022015). Collection method: clinical testing. Allele origin: germline.
Comment: This sequence change replaces leucine, which is neutral and non-polar, with proline, which is neutral and non-polar, at codon 185 of the TTC19 protein (p.Leu185Pro). This variant is not present in population databases (gnomAD no frequency). This missense change has been observed in individuals with clinical features of mitochondrial complex III deficiency (PMID: 25887401, 38127101). It has also been observed to segregate with disease in related individuals. ClinVar contains an entry for this variant (Variation ID: 437427). Invitae Evidence Modeling of protein sequence and biophysical properties (such as structural, functional, and spatial information, amino acid conservation, physicochemical variation, residue mobility, and thermodynamic stability) indicates that this missense variant is expected to disrupt TTC19 protein function with a positive predictive value of 80%. In summary, the currently available evidence indicates that the variant is pathogenic, but additional data are needed to prove that conclusively. Therefore, this variant has been classified as Likely Pathogenic.

Institute of Human Genetics Munich, TUM University Hospital
Classification: Pathogenic for Mitochondrial complex III deficiency nuclear type 2. Last evaluated: 2020-03-02. Review status: criteria provided, single submitter. Criteria: Classification criteria August 2017. Collection method: clinical testing. Allele origin: inherited. Inheritance: Autosomal recessive inheritance. Affected: yes. Observed: 1 homozygote.

Center of Genomic medicine, Geneva, University Hospital of Geneva
Classification: Likely pathogenic for Mitochondrial complex III deficiency nuclear type 2. Last evaluated: 2017-01-16. Review status: no assertion criteria provided. Collection method: clinical testing. Allele origin: germline. Affected: yes. Not counted in ClinVar's aggregate classification.

Literature cited by the submitters: PubMed 25887401 (cited by Labcorp Genetics (formerly Invitae), Labcorp); PubMed 38127101 (cited by Labcorp Genetics (formerly Invitae), Labcorp).

NM_017775.4(TTC19):c.554T>C (p.Leu185Pro)

Gene: TTC19 (tetratricopeptide repeat domain 19; plus strand). Cytogenetic location: 17p12.
Variant type: single nucleotide variant.
Coding change: c.554T>C on transcript NM_017775.4 (MANE Select); coding-DNA position 554, T replaced by C.
Protein change: p.Leu185Pro; replaces leucine 185 with proline.
Molecular consequence: missense variant.
Genome position (GRCh38, 1-based): chr17:16,004,235, T>C. VCF-style: chr17-16004235-T-C. GRCh37 (hg19) VCF-style: chr17-15907549-T-C.
Other names: c.233T>C, p.Leu78Pro (NM_001271420.2); short protein forms L185P, L78P.
Identifiers: ClinVar variation 437427 (VCV000437427.9), dbSNP rs1187416161, ClinGen allele CA398387442.